The following is an entry in ClinVar:

NM_017617.5(NOTCH1):c.3860G>A (p.Arg1287His)

Gene: NOTCH1 (notch receptor 1; minus strand). Cytogenetic location: 9q34.3.
Variant type: single nucleotide variant.
Coding change: c.3860G>A on transcript NM_017617.5 (MANE Select); coding-DNA position 3860, G replaced by A.
Protein change: p.Arg1287His; replaces arginine 1287 with histidine.
Molecular consequence: missense variant.
Genome position (GRCh38, 1-based): chr9:136,506,757, C>T on the plus strand (G>A on the coding strand, the complement: NOTCH1 is on the minus strand). VCF-style: chr9-136506757-C-T. GRCh37 (hg19) VCF-style: chr9-139401209-C-T.
Other names: c.3860G>A, p.Arg1287His (LRG_1122t1); short protein forms R1287H.
Identifiers: ClinVar variation 561319 (VCV000561319.36), dbSNP rs763679772, ClinGen allele CA5340785.

ClinVar aggregate classification (germline): Conflicting classifications of pathogenicity. Review status: criteria provided, conflicting classifications (1 of 4 stars). 6 submissions from 5 submitters: Uncertain significance (2); Likely benign (4). Last evaluated 2025-11-08.

Conditions:
Aortic valve disease 1 (AOVD1). Identifiers: MedGen C3887892, MONDO:0024523, OMIM 109730.
Connective tissue disorder. Also called: Connective tissue disease. Identifiers: MedGen C0009782, MONDO:0003900.
Familial thoracic aortic aneurysm and aortic dissection (TAAD). Also called: Thoracic aortic aneurysms and dissections. Identifiers: Orphanet 91387, MedGen C4707243, MONDO:0019625.
Adams-Oliver syndrome 5 (AOS5). Identifiers: Orphanet 974, MedGen C4014970, MONDO:0014459, OMIM 616028.

Allele frequency attached by ClinVar (database versions not stated): gnomAD 0.00003; gnomAD exomes 0.00003 and 0.00007; TOPMed 0.00003; ExAC 0.00009.
gnomAD v4.1: 50 of 1,605,610 alleles (0.0031%); highest among the groups gnomAD compares: South Asian, 0.031%; no homozygotes.

Submissions (6):

Labcorp Genetics (formerly Invitae), Labcorp
Classification: Likely benign for Adams-Oliver syndrome 5. Last evaluated: 2025-11-08. Review status: criteria provided, single submitter. Criteria: Invitae Variant Classification Sherloc (09022015). Collection method: clinical testing. Allele origin: germline.

Ambry Genetics
Classification: Uncertain significance for Familial thoracic aortic aneurysm and aortic dissection. Last evaluated: 2024-01-29. Review status: criteria provided, single submitter. Criteria: Ambry Variant Classification Scheme 2023. Collection method: clinical testing. Allele origin: germline.
Comment: The p.R1287H variant (also known as c.3860G>A), located in coding exon 23 of the NOTCH1 gene, results from a G to A substitution at nucleotide position 3860. The arginine at codon 1287 is replaced by histidine, an amino acid with highly similar properties. This alteration has been reported in a congenital heart disease cohort (Preuss C et al. PLoS Genet, 2016 Oct;12:e1006335). This amino acid position is not well conserved in available vertebrate species. In addition, this alteration is predicted to be tolerated by in silico analysis. Based on the available evidence, the clinical significance of this alteration remains unclear.

CeGaT Center for Human Genetics Tuebingen
Classification: Uncertain significance. Last evaluated: 2022-07-01. Review status: criteria provided, single submitter. Criteria: CeGaT Center For Human Genetics Tuebingen Variant Classification Criteria Version 2. Collection method: clinical testing. Allele origin: germline. Affected: yes. Observed: 1 variant allele.
Comment: NOTCH1: PP2, BP4

Genome-Nilou Lab
Classification: Likely benign for Adams-Oliver syndrome 5. Last evaluated: 2022-03-15. Review status: criteria provided, single submitter. Criteria: ACMG Guidelines, 2015. Collection method: clinical testing. Allele origin: germline. Affected: no.

Genome-Nilou Lab
Classification: Likely benign for Aortic valve disease 1. Last evaluated: 2022-03-15. Review status: criteria provided, single submitter. Criteria: ACMG Guidelines, 2015. Collection method: clinical testing. Allele origin: germline. Affected: no.

Center for Human Genetics, Inc
Classification: Likely benign for Connective tissue disorder. Last evaluated: 2018-06-01. Review status: criteria provided, single submitter. Criteria: ACMG Guidelines, 2015. Collection method: clinical testing. Allele origin: germline. Affected: yes.

Literature cited by the submitters: PubMed 27760138 (cited by Ambry Genetics).